The following is an entry in ClinVar:

NC_012920.1(MT-CO1):m.7051T>C

Gene: MT-CO1 (mitochondrially encoded cytochrome c oxidase I; plus strand).
Variant type: single nucleotide variant.
Genome position: chrM-7051-T-C.
Identifiers: ClinVar variation 692694 (VCV000692694.1), dbSNP rs1603220749, ClinGen allele CA414790906.
Genomic context (GRCh38, chrMT:7,051, plus strand): 5'-TAGACATCGTACTACACGACACGTACTACGTTGTAGCCCACTTCCACTATGTCCTATCAA[T>C]AGGAGCTGTATTTGCCATCATAGGAGGCTTCATTCACTGATTTCCCCTATTCTCAGGCTA-3'

ClinVar aggregate classification (germline): Likely benign (1 of 4 stars; one submission).

Conditions:
Leigh syndrome (NULS). Also called: Leigh's necrotizing encephalopathy; Leigh's disease; Leigh Syndrome (mtDNA deletion); Leigh Disease; Subacute necrotizing encephalopathy; Necrotizing encephalopathy infantile subacute of Leigh. Identifiers: Orphanet 506, MedGen C2931891, MONDO:0009723, OMIM 256000.

Submission:

Wong Mito Lab, Molecular and Human Genetics, Baylor College of Medicine
Classification: Likely benign for Leigh syndrome. Last evaluated: 2019-10-17. Review status: criteria provided, single submitter. Criteria: Modified ACMG Guidelines (Unpublished). Collection method: clinical testing. Allele origin: germline.
Comment: The NC_012920.1:m.7051T>C (YP_003024028.1:p.Met383Thr) variant in MTCO1 gene is interpretated to be a Likely Benign variant based on the modified ACMG guidelines (unpublished). This variant meets the following evidence codes: BS1, BP5